The following is an entry in ClinVar:

NC_000016.9:g.(?_624075)_(633035_?)del

Gene: PIGQ (phosphatidylinositol glycan anchor biosynthesis class Q; plus strand). Cytogenetic location: 16p13.3.
Variant type: Deletion.
Identifiers: ClinVar variation 3243221 (VCV003243221.1).

ClinVar aggregate classification (germline): Pathogenic (1 of 4 stars; one submission).

Conditions:
Epilepsy. Also called: Seizure disorder. Identifiers: MedGen C0014544, MeSH D004827, MONDO:0005027.

Submission:

Labcorp Genetics (formerly Invitae), Labcorp
Classification: Pathogenic for Epilepsy. Last evaluated: 2023-11-24. Review status: criteria provided, single submitter. Criteria: Invitae Variant Classification Sherloc (09022015). Collection method: clinical testing. Allele origin: unknown.
Comment: A gross deletion of the genomic region encompassing the full coding sequence of the PIGQ gene has been identified. Loss-of-function variants in PIGQ are known to be pathogenic (PMID: 24463883, 25558065). The boundaries of this event are unknown as they extend beyond the assayed region for this gene and therefore may encompass additional genes. This variant has not been reported in the literature in individuals affected with PIGQ-related conditions. For these reasons, this variant has been classified as Pathogenic.

Literature cited by the submitters: PubMed 24463883; PubMed 25558065.